The following is an entry in ClinVar:

NM_020442.6(VARS2):c.2673+184G>A

Gene: VARS2 (valyl-tRNA synthetase 2, mitochondrial; plus strand). Cytogenetic location: 6p21.33.
Variant type: single nucleotide variant.
Coding change: c.2673+184G>A on transcript NM_020442.6 (MANE Select); 184 bases into the intron after coding-DNA position 2673, G replaced by A.
Molecular consequence: intron variant.
Genome position (GRCh38, 1-based): chr6:30,924,744, G>A. VCF-style: chr6-30924744-G-A. GRCh37 (hg19) VCF-style: chr6-30892521-G-A.
Other names: c.2763+184G>A (NM_001167734.2); c.2253+184G>A (NM_001167733.3).
Identifiers: ClinVar variation 684325 (VCV000684325.1), dbSNP rs2532941, ClinGen allele CA12186955.

ClinVar aggregate classification (germline): Benign (1 of 4 stars; one submission).

Allele frequency attached by ClinVar (database versions not stated): TOPMed 0.62504; gnomAD 0.63471 and 0.64500; 1000 Genomes Project 30x 0.66037; 1000 Genomes Project 0.66973.
gnomAD v4.1: 98,196 of 152,068 alleles (65%); highest among the groups gnomAD compares: East Asian, 87%; 33,391 homozygotes.

Submission:

GeneDx
Classification: Benign. Last evaluated: 2018-06-14. Review status: criteria provided, single submitter. Criteria: GeneDx Variant Classification (06012015). Collection method: clinical testing. Allele origin: germline. Affected: yes.
Comment: This variant is considered likely benign or benign based on one or more of the following criteria: it is a conservative change, it occurs at a poorly conserved position in the protein, it is predicted to be benign by multiple in silico algorithms, and/or has population frequency not consistent with disease.